The following is an entry in ClinVar:

NM_000179.3(MSH6):c.1637_1638del (p.Glu546fs)

Gene: MSH6 (mutS homolog 6; plus strand). Cytogenetic location: 2p16.3.
Variant type: Microsatellite.
Coding change: c.1637_1638del on transcript NM_000179.3 (MANE Select); coding-DNA positions 1637 to 1638, 2 bases deleted (AG; older notation c.1637_1638delAG).
Protein change: p.Glu546fs; shifts the reading frame from glutamic acid 546.
Molecular consequence: frameshift variant.
Genome position (GRCh38, 1-based): chr2:47,799,620-47,799,621, AG deleted; deleting any 2 consecutive bases within chr2:47,799,618-47,799,621 gives the same sequence; the c. name uses the placement nearest the transcript's 3' end. VCF-style (leftmost placement, unchanged base first): chr2-47799617-AAG-A. GRCh37 (hg19) VCF-style: chr2-48026756-AAG-A.
Other names: c.1637_1638delAG (NM_000179.2); c.1247_1248del, p.Glu416fs (NM_001281492.2); c.731_732del, p.Glu244fs (NM_001281493.2, NM_001281494.2); short protein forms E416fs, E244fs, E546fs.
Identifiers: ClinVar variation 89213 (VCV000089213.48), dbSNP rs267608076, ClinGen allele CA008985.

ClinVar aggregate classification (germline): Pathogenic. Review status: reviewed by expert panel (3 of 4 stars). 12 submissions from 12 submitters: Pathogenic (1). 11 of the submissions do not count toward it. Last evaluated 2013-09-05.

Conditions:
Hereditary nonpolyposis colon cancer (HNPCC). Also called: Hereditary nonpolyposis colorectal cancer; Familial nonpolyposis colon cancer; Hereditary Nonpolyposis Colorectal Cancer Syndrome. Identifiers: Orphanet 443909, MedGen C1333990, MONDO:0018630. Disease mechanism: loss of function.
Hereditary nonpolyposis colorectal neoplasms. Identifiers: MedGen C0009405, MeSH D003123.
Gastric cancer. Also called: Stomach cancer; Malignant tumor of stomach. Identifiers: MedGen C0024623, MeSH D013274, MONDO:0001056, OMIM 613659, HP:0012126.
Lynch syndrome 5 (LYNCH5). Also called: Colorectal cancer, hereditary nonpolyposis, type 5; Hereditary non-polyposis colorectal cancer, type 5. Identifiers: Orphanet 144, MedGen C1833477, MONDO:0013710, OMIM 614350. Disease mechanism: loss of function.
Lynch syndrome. Identifiers: Orphanet 144, MedGen C4552100, MONDO:0005835. Disease mechanism: loss of function.
Hereditary cancer-predisposing syndrome. Also called: Hereditary Cancer Syndrome; Neoplastic Syndromes, Hereditary; Hereditary neoplastic syndrome; Tumor predisposition. Identifiers: Orphanet 140162, MedGen C0027672, MeSH D009386, MONDO:0015356.
Endometrial carcinoma. Also called: Endometrial carcinoma, somatic. Identifiers: MedGen C0476089, MONDO:0002447, OMIM 608089, HP:0012114.

Submissions (12):

International Society for Gastrointestinal Hereditary Tumours (InSiGHT)
Classification: Pathogenic for Lynch Syndrome. Last evaluated: 2013-09-05. Review status: reviewed by expert panel. Criteria: Guidelines v1.9. Collection method: research. Allele origin: germline.
Comment: Coding sequence variation resulting in a stop codon

Classified with v1.9 guidelines

Labcorp Genetics (formerly Invitae), Labcorp
Classification: Pathogenic for Hereditary nonpolyposis colorectal neoplasms. Last evaluated: 2025-03-26. Review status: criteria provided, single submitter. Criteria: Invitae Variant Classification Sherloc (09022015). Collection method: clinical testing. Allele origin: germline. Not counted in ClinVar's aggregate classification.
Comment: This sequence change creates a premature translational stop signal (p.Glu546Glyfs*16) in the MSH6 gene. It is expected to result in an absent or disrupted protein product. Loss-of-function variants in MSH6 are known to be pathogenic (PMID: 18269114, 24362816). This variant is not present in population databases (gnomAD no frequency). This premature translational stop signal has been observed in individual(s) with Lynch syndrome-associated cancers (PMID: 16885385, 20028993, 25559809, 26787237). This variant is also known as c.1635_1636delAG. ClinVar contains an entry for this variant (Variation ID: 89213). For these reasons, this variant has been classified as Pathogenic.

Ambry Genetics
Classification: Pathogenic for Hereditary cancer-predisposing syndrome. Last evaluated: 2024-12-13. Review status: criteria provided, single submitter. Criteria: Ambry Variant Classification Scheme 2023. Collection method: clinical testing. Allele origin: germline. Not counted in ClinVar's aggregate classification.
Comment: The c.1637_1638delAG pathogenic mutation, located in coding exon 4 of the MSH6 gene, results from a deletion of two nucleotides at nucleotide positions 1637 to 1638, causing a translational frameshift with a predicted alternate stop codon (p.E546Gfs*16). This variant has been reported in individuals with personal and/or family history of Lynch syndrome related cancers (Hampel H et al. Cancer Res. 2006 Aug; 66(15):7810-7; Chubb D et al. J. Clin. Oncol. 2015 Feb; 33(5):426-32; Meric-Bernstam F et al. Ann. Oncol. 2016 May; 27(5):795-800; Martin-Morales L et al. PLoS One, 2018 Sep;13:e0203885). Of note, this alteration is also designated as c.1635_1636delAG in published literature. This alteration is expected to result in loss of function by premature protein truncation or nonsense-mediated mRNA decay. As such, this alteration is interpreted as a disease-causing mutation.

All of Us Research Program, National Institutes of Health
Classification: Pathogenic for Lynch syndrome. Last evaluated: 2024-08-13. Review status: criteria provided, single submitter. Criteria: ACMG Guidelines, 2015. Collection method: clinical testing. Allele origin: germline. Inheritance: Autosomal dominant inheritance. Observed: 2 variant alleles, 2 heterozygotes. Not counted in ClinVar's aggregate classification.
Comment: This variant deletes 2 nucleotides in exon 4 of the MSH6 gene, creating a frameshift and premature translation stop signal. This variant is expected to result in an absent or non-functional protein product. Computational splicing tools suggest that this variant may not impact RNA splicing. To our knowledge, functional studies have not been performed for this variant. This variant has been reported in families affected with Lynch syndrome-associated cancers (PMID: 16885385, 20028993, 25559809). This variant has not been identified in the general population by the Genome Aggregation Database (gnomAD). Loss of MSH6 function is a known mechanism of disease. Based on available evidence, this variant is classified as Pathogenic.

This study involves interpretation of variants in research participants for the purpose of population health screening. Participant phenotype was not available at the time of variant classification. Additional details can be found in publication PMID: 35346344, PMCID: PMC8962531

GeneDx
Classification: Pathogenic. Last evaluated: 2024-02-29. Review status: criteria provided, single submitter. Criteria: GeneDx Variant Classification Process June 2021. Collection method: clinical testing. Allele origin: germline. Affected: yes. Not counted in ClinVar's aggregate classification.
Comment: Frameshift variant predicted to result in protein truncation or nonsense mediated decay in a gene for which loss of function is a known mechanism of disease; Truncating variants in this gene are considered pathogenic by a well-established clinical consortium and/or database; Not observed at significant frequency in large population cohorts (gnomAD); Also known as c.1635_1636delAG; This variant is associated with the following publications: (PMID: 16885385, 20028993, 25559809, 30787465, 29489754, 26787237, 30256826, 36988593, 27329137, 26580448)

ARUP Laboratories, Molecular Genetics and Genomics, ARUP Laboratories
Classification: Pathogenic. Last evaluated: 2024-01-10. Review status: criteria provided, single submitter. Criteria: ARUP Molecular Germline Variant Investigation Process 2024. Collection method: clinical testing. Allele origin: germline. Not counted in ClinVar's aggregate classification.
Comment: The MSH6 c.1637_1638del; p.Glu546GlyfsTer16 variant (rs267608076), also known as c.1635_1636delAG, is reported in the literature in several individuals with personal and family histories of Lynch syndrome-associated cancers (Baglietto 2010, Chubb 2015, Hampel 2006, Martin-Morales 2018, Meric-Bernstam 2016, Zhang 2015). This variant is reported in ClinVar (Variation ID: 89213). This variant is absent from the Genome Aggregation Database (v2.1.1), indicating it is not a common polymorphism. This variant causes a frameshift by deleting two nucleotides, so it is predicted to result in a truncated protein or mRNA subject to nonsense-mediated decay. Based on available information, this variant is considered to be pathogenic. References: Baglietto L et al. Risks of Lynch syndrome cancers for MSH6 mutation carriers. J Natl Cancer Inst. 2010 Feb 3;102(3):193-201. PMID: 20028993. Chubb D et al. Genetic diagnosis of high-penetrance susceptibility for colorectal cancer (CRC) is achievable for a high proportion of familial CRC by exome sequencing. J Clin Oncol. 2015 Feb 10;33(5):426-32. PMID: 25559809. Hampel H et al. Screening for Lynch syndrome (hereditary nonpolyposis colorectal cancer) among endometrial cancer patients. Cancer Res. 2006 Aug 1;66(15):7810-7. PMID: 16885385. Martin-Morales L et al. Novel genetic mutations detected by multigene panel are associated with hereditary colorectal cancer predisposition. PLoS One. 2018 Sep 26;13(9):e0203885. PMID: 30256826. Meric-Bernstam F et al. Incidental germline variants in 1000 advanced cancers on a prospective somatic genomic profiling protocol. Ann Oncol. 2016 May;27(5):795-800. PMID: 26787237. Zhang J et al. Germline Mutations in Predisposition Genes in Pediatric Cancer. N Engl J Med. 2015 Dec 10;373(24):2336-2346. PMID: 26580448.

Color Diagnostics, LLC DBA Color Health
Classification: Pathogenic for Hereditary cancer-predisposing syndrome. Last evaluated: 2023-12-04. Review status: criteria provided, single submitter. Criteria: ACMG Guidelines, 2015. Collection method: clinical testing. Allele origin: germline. Not counted in ClinVar's aggregate classification.
Comment: This variant deletes 2 nucleotides in exon 4 of the MSH6 gene, creating a frameshift and premature translation stop signal. This variant is expected to result in an absent or non-functional protein product. This variant has been reported in individuals affected with Lynch syndrome and Lynch syndrome-associated disease (PMID: 16885385, 20028993, 25559809, 26787237, 27329137, 30256826). This variant has not been identified in the general population by the Genome Aggregation Database (gnomAD). Loss of MSH6 function is a known mechanism of disease. Based on the available evidence, this variant is classified as Pathogenic.

Myriad Genetics, Inc.
Classification: Pathogenic for Lynch syndrome 5. Last evaluated: 2023-08-15. Review status: criteria provided, single submitter. Criteria: Myriad Autosomal Dominant, Autosomal Recessive and X-Linked Classification Criteria (2023). Collection method: clinical testing. Allele origin: unknown. Not counted in ClinVar's aggregate classification.
Comment: This variant is considered pathogenic. This variant creates a frameshift predicted to result in premature protein truncation.

Women's Health and Genetics/Laboratory Corporation of America, LabCorp
Classification: Pathogenic for Hereditary nonpolyposis colon cancer. Last evaluated: 2023-06-07. Review status: criteria provided, single submitter. Criteria: LabCorp Variant Classification Summary - May 2015. Collection method: clinical testing. Allele origin: germline. Not counted in ClinVar's aggregate classification.
Comment: Variant summary: MSH6 c.1637_1638delAG (p.Glu546GlyfsX16) results in a premature termination codon, predicted to cause a truncation of the encoded protein or absence of the protein due to nonsense mediated decay, which are commonly known mechanisms for disease. The variant was absent in 251216 control chromosomes (gnomAD, v2.1). c.1637_1638delAG has been reported in the literature in individuals affected with Lynch syndrome (e.g., Baglietto_2010, Chubb_2015, Hampel_2006). These data indicate that the variant is likely to be associated with disease. The following publications have been ascertained in the context of this evaluation (PMID: 16885385, 20028993, 25559809). Six ClinVar submitters (evaluation after 2014) have cited the variant, and all submitters classified the variant as pathogenic. Based on the evidence outlined above, the variant was classified as pathogenic.

Revvity Omics, Revvity
Classification: Pathogenic. Last evaluated: 2022-11-11. Review status: criteria provided, single submitter. Criteria: ACMG Guidelines, 2015. Collection method: clinical testing. Allele origin: germline. Not counted in ClinVar's aggregate classification.

Baylor Genetics
Classification: Pathogenic for Endometrial carcinoma. Last evaluated: 2021-11-29. Review status: criteria provided, single submitter. Criteria: ACMG Guidelines, 2015. Collection method: clinical testing. Allele origin: unknown. Not counted in ClinVar's aggregate classification.

Laboratory for Genotyping Development, RIKEN
Classification: Pathogenic for Gastric cancer. Last evaluated: 2021-07-01. Review status: no assertion criteria provided. Collection method: research. Allele origin: germline. Not counted in ClinVar's aggregate classification.

Literature cited by the submitters: PubMed 18269114 (cited by Labcorp Genetics (formerly Invitae), Labcorp); PubMed 24362816 (cited by Labcorp Genetics (formerly Invitae), Labcorp); PubMed 16885385 (cited by 5 submitters); PubMed 20028993 (cited by 5 submitters); PubMed 25559809 (cited by 5 submitters); PubMed 26787237 (cited by 3 submitters); PubMed 26580448 (cited by Ambry Genetics); PubMed 27329137 (cited by Ambry Genetics and Color Diagnostics, LLC DBA Color Health); PubMed 30256826 (cited by Ambry Genetics and Color Diagnostics, LLC DBA Color Health); PubMed 36988593 (cited by Laboratory for Genotyping Development, RIKEN).